The following is an entry in ClinVar:

ClinVar aggregate classification (germline): Likely benign. Review status: criteria provided, single submitter (1 of 4 stars). 2 submissions from 2 submitters: Likely benign (1). 1 of the submissions does not count toward it. Last evaluated 2022-03-08.

Conditions:
LMOD3-related disorder. Also called: LMOD3-related condition.
Nemaline myopathy 10 (NEM10). Identifiers: MedGen C4015360, MONDO:0014513, OMIM 616165.

Allele frequency attached by ClinVar (database versions not stated): gnomAD exomes below 0.00001; gnomAD 0.00001; 1000 Genomes Project 30x 0.00016; 1000 Genomes Project 0.00020.
gnomAD v4.1: 2 of 1,416,350 alleles (0.00014%); highest among the groups gnomAD compares: Admixed American, 0.0039%; no homozygotes.

Submissions (2):

Labcorp Genetics (formerly Invitae), Labcorp
Classification: Likely benign for Nemaline myopathy 10. Last evaluated: 2022-03-08. Review status: criteria provided, single submitter. Criteria: Invitae Variant Classification Sherloc (09022015). Collection method: clinical testing. Allele origin: germline.

PreventionGenetics, part of Exact Sciences
Classification: Likely benign for LMOD3-related condition. Last evaluated: 2024-01-11. Review status: no assertion criteria provided. Collection method: clinical testing. Allele origin: germline. Not counted in ClinVar's aggregate classification.
Comment: This variant is classified as likely benign based on ACMG/AMP sequence variant interpretation guidelines (Richards et al. 2015 PMID: 25741868, with internal and published modifications).

NM_198271.5(LMOD3):c.459T>C (p.Asp153=)

Gene: LMOD3 (leiomodin 3; minus strand). Cytogenetic location: 3p14.1.
Variant type: single nucleotide variant.
Coding change: c.459T>C on transcript NM_198271.5 (MANE Select); coding-DNA position 459, T replaced by C.
Protein change: p.Asp153=; no amino-acid change (aspartic acid 153 retained).
Molecular consequence: synonymous variant.
Genome position (GRCh38, 1-based): chr3:69,119,896, A>G on the plus strand (T>C on the coding strand, the complement: LMOD3 is on the minus strand). VCF-style: chr3-69119896-A-G. GRCh37 (hg19) VCF-style: chr3-69169047-A-G.
Other names: c.459T>C, p.Asp153= (NM_001304418.3); c.459T>C (NM_198271.4).
Identifiers: ClinVar variation 1573227 (VCV001573227.10), dbSNP rs557184030, ClinGen allele CA76453834.
Genomic context (GRCh38, chr3:69,119,896, plus strand): 5'-CTCTTCTCTGTTCGTTTCTTCACTCTCTTCACCATCATCTTCTCCTTCGTCGTCATCATC[A>G]TCATCTTCTTCTTCTTCATCTTCTTCATCTGTTTCTTGGATATTGCTGCTGCCCTTTGAT-3'
Protein context (NP_938012.2, residues 143-163): TDEEDEEEED[Asp153=]DDDDEGEDDG